The following is an entry in ClinVar:

ClinVar aggregate classification (germline): Uncertain significance (1 of 4 stars; one submission).

Allele frequency attached by ClinVar (database versions not stated): TOPMed below 0.00001; gnomAD 0.00003.

Submission:

Labcorp Genetics (formerly Invitae), Labcorp
Classification: Uncertain significance. Last evaluated: 2023-11-06. Review status: criteria provided, single submitter. Criteria: Invitae Variant Classification Sherloc (09022015). Collection method: clinical testing. Allele origin: germline.
Comment: This sequence change replaces proline, which is neutral and non-polar, with threonine, which is neutral and polar, at codon 221 of the COL4A2 protein (p.Pro221Thr). This variant is present in population databases (rs759102501, gnomAD 0.002%). This missense change has been observed in individual(s) with COL4A2-related conditions (PMID: 31719132). Advanced modeling of protein sequence and biophysical properties (such as structural, functional, and spatial information, amino acid conservation, physicochemical variation, residue mobility, and thermodynamic stability) performed at Invitae indicates that this missense variant is not expected to disrupt COL4A2 protein function with a negative predictive value of 95%. In summary, the available evidence is currently insufficient to determine the role of this variant in disease. Therefore, it has been classified as a Variant of Uncertain Significance.

Literature cited by the submitters: PubMed 31719132.

NM_001846.4(COL4A2):c.661C>A (p.Pro221Thr)

Gene: COL4A2 (collagen type IV alpha 2 chain; plus strand). Cytogenetic location: 13q34.
Variant type: single nucleotide variant.
Coding change: c.661C>A on transcript NM_001846.4 (MANE Select); coding-DNA position 661, C replaced by A.
Protein change: p.Pro221Thr; replaces proline 221 with threonine.
Molecular consequence: missense variant.
Genome position (GRCh38, 1-based): chr13:110,432,337, C>A. VCF-style: chr13-110432337-C-A. GRCh37 (hg19) VCF-style: chr13-111084684-C-A.
Other names: short protein forms P221T.
Identifiers: ClinVar variation 2985443 (VCV002985443.3), dbSNP rs759102501, ClinGen allele CA256283814.
Genomic context (GRCh38, chr13:110,432,337, plus strand): 5'-GTCCTGGGGTAAAGAAAACCATTTACACATTTCTTTGTATTTGTACAGGGACCACCTGGA[C>A]CCCCTGGACCAAAAGGACAGCAAGTAAGTTGGTTTTGGGGGGTGAGGATGAGGGAAGGGG-3'
Protein context (NP_001837.2, residues 211-231): GAPGRPGPPG[Pro221Thr]PGPKGQQGNR